The following is an entry in ClinVar:

NM_001363540.2(DOCK4):c.4511T>G (p.Met1504Arg)

Gene: DOCK4 (dedicator of cytokinesis 4; minus strand). Cytogenetic location: 7q31.1.
Variant type: single nucleotide variant.
Coding change: c.4511T>G on transcript NM_001363540.2 (MANE Select); coding-DNA position 4511, T replaced by G.
Protein change: p.Met1504Arg; replaces methionine 1504 with arginine.
Molecular consequence: missense variant.
Genome position (GRCh38, 1-based): chr7:111,747,349, A>C on the plus strand (T>G on the coding strand, the complement: DOCK4 is on the minus strand). VCF-style: chr7-111747349-A-C. GRCh37 (hg19) VCF-style: chr7-111387405-A-C.
Other names: c.4484T>G, p.Met1495Arg (NM_014705.4); short protein forms M1504R, M1495R.
Identifiers: ClinVar variation 3720935 (VCV003720935.2).

ClinVar aggregate classification (germline): Uncertain significance (1 of 4 stars; one submission).

Submission:

Labcorp Genetics (formerly Invitae), Labcorp
Classification: Uncertain significance. Last evaluated: 2024-09-20. Review status: criteria provided, single submitter. Criteria: Invitae Variant Classification Sherloc (09022015). Collection method: clinical testing. Allele origin: germline.
Comment: This sequence change replaces methionine, which is neutral and non-polar, with arginine, which is basic and polar, at codon 1495 of the DOCK4 protein (p.Met1495Arg). This variant is present in population databases (no rsID available, gnomAD 0.0009%). This variant has not been reported in the literature in individuals affected with DOCK4-related conditions. An algorithm developed to predict the effect of missense changes on protein structure and function (PolyPhen-2) suggests that this variant is likely to be disruptive. In summary, the available evidence is currently insufficient to determine the role of this variant in disease. Therefore, it has been classified as a Variant of Uncertain Significance.